The following is an entry in ClinVar:

NM_019066.5(MAGEL2):c.3483T>C (p.Phe1161=)

Gene: MAGEL2 (MAGE family member L2; minus strand). Cytogenetic location: 15q11.2.
Variant type: single nucleotide variant.
Coding change: c.3483T>C on transcript NM_019066.5 (MANE Select); coding-DNA position 3483, T replaced by C.
Protein change: p.Phe1161=; no amino-acid change (phenylalanine 1161 retained).
Molecular consequence: synonymous variant.
Genome position (GRCh38, 1-based): chr15:23,644,260, A>G on the plus strand (T>C on the coding strand, the complement: MAGEL2 is on the minus strand). VCF-style: chr15-23644260-A-G. GRCh37 (hg19) VCF-style: chr15-23889407-A-G.
Identifiers: ClinVar variation 727619 (VCV000727619.31), dbSNP rs185139848, ClinGen allele CA7429686.
Genomic context (GRCh38, chr15:23,644,260, plus strand): 5'-CTCATACTCTGCGGGCTCAGTGTAAGGGATTCGCCTGTACTCTAGGTACTTCTGCCTGAC[A>G]AACACTTCGGTGATGAGCTTCTTAGTATTTCCAAAGAGACCGTTTGTCTCCCGGACATCC-3'
Protein context (NP_061939.3, residues 1151-1171): GNTKKLITEV[Phe1161=]VRQKYLEYRR

ClinVar aggregate classification (germline): Benign/Likely benign. Review status: criteria provided, multiple submitters, no conflicts (2 of 4 stars). 2 submissions from 2 submitters: Benign (1); Likely benign (1). Last evaluated 2024-10-28.

Allele frequency attached by ClinVar (database versions not stated): gnomAD 0.00006 and 0.00009; gnomAD exomes 0.00006 and 0.00019; TOPMed 0.00009; ExAC 0.00020; 1000 Genomes Project 30x 0.00031; 1000 Genomes Project 0.00040.
gnomAD v4.1: 94 of 1,613,780 alleles (0.0058%); highest among the groups gnomAD compares: East Asian, 0.2%; no homozygotes.

Submissions (2):

Labcorp Genetics (formerly Invitae), Labcorp
Classification: Benign. Last evaluated: 2024-10-28. Review status: criteria provided, single submitter. Criteria: Invitae Variant Classification Sherloc (09022015). Collection method: clinical testing. Allele origin: germline.

CeGaT Center for Human Genetics Tuebingen
Classification: Likely benign. Last evaluated: 2023-09-01. Review status: criteria provided, single submitter. Criteria: CeGaT Center For Human Genetics Tuebingen Variant Classification Criteria Version 2. Collection method: clinical testing. Allele origin: germline. Affected: yes. Observed: 1 variant allele.
Comment: MAGEL2: BP4, BS1